The following is an entry in ClinVar:

NM_014516.4(CNOT3):c.1698C>G (p.Thr566=)

Gene: CNOT3 (CCR4-NOT transcription complex subunit 3; plus strand). Cytogenetic location: 19q13.42.
Variant type: single nucleotide variant.
Coding change: c.1698C>G on transcript NM_014516.4 (MANE Select); coding-DNA position 1698, C replaced by G.
Protein change: p.Thr566=; no amino-acid change (threonine 566 retained).
Molecular consequence: synonymous variant.
Genome position (GRCh38, 1-based): chr19:54,152,318, C>G. VCF-style: chr19-54152318-C-G. GRCh37 (hg19) VCF-style: chr19-54656055-C-G.
Identifiers: ClinVar variation 3060910 (VCV003060910.2), dbSNP rs201771727, ClinGen allele CA2576880921.

ClinVar aggregate classification (germline): Likely benign (0 of 4 stars; one submission).

Conditions:
CNOT3-related disorder. Also called: CNOT3-related condition.

Submission:

PreventionGenetics, part of Exact Sciences
Classification: Likely benign for CNOT3-related condition. Last evaluated: 2019-05-01. Review status: no assertion criteria provided. Collection method: clinical testing. Allele origin: germline.
Comment: This variant is classified as likely benign based on ACMG/AMP sequence variant interpretation guidelines (Richards et al. 2015 PMID: 25741868, with internal and published modifications).